The following is an entry in ClinVar:

NM_017934.7(PHIP):c.1226G>A (p.Arg409His)

Gene: PHIP (PHIP subunit of CUL4-Ring ligase complex; minus strand). Cytogenetic location: 6q14.1.
Variant type: single nucleotide variant.
Coding change: c.1226G>A on transcript NM_017934.7 (MANE Select); coding-DNA position 1226, G replaced by A.
Protein change: p.Arg409His; replaces arginine 409 with histidine.
Molecular consequence: missense variant.
Genome position (GRCh38, 1-based): chr6:79,016,553, C>T on the plus strand (G>A on the coding strand, the complement: PHIP is on the minus strand). VCF-style: chr6-79016553-C-T. GRCh37 (hg19) VCF-style: chr6-79726270-C-T.
Other names: short protein forms R409H.
Identifiers: ClinVar variation 3697640 (VCV003697640.2).
Genomic context (GRCh38, chr6:79,016,553, plus strand): 5'-CATACTTTAAAAAATCAATATATACATAATATTTCAAATTTGACCTCTTACCCTGCTGGA[C>T]GAGTAGCCATATCCAACAAAATGCTCTTCCACTCTCTTCGTTTAAATTGCCAAATACGTG-3'
Protein context (NP_060404.4, residues 399-419): WKSILLDMAT[Arg409His]PAGQNLQGIE

ClinVar aggregate classification (germline): Uncertain significance (1 of 4 stars; one submission).

gnomAD v4.1: 4 of 1,603,468 alleles (0.00025%); highest among the groups gnomAD compares: African/African-American, 0.0027%; no homozygotes.

Submission:

Labcorp Genetics (formerly Invitae), Labcorp
Classification: Uncertain significance. Last evaluated: 2024-06-30. Review status: criteria provided, single submitter. Criteria: Invitae Variant Classification Sherloc (09022015). Collection method: clinical testing. Allele origin: germline.
Comment: This sequence change replaces arginine, which is basic and polar, with histidine, which is basic and polar, at codon 409 of the PHIP protein (p.Arg409His). This variant is present in population databases (rs753677561, gnomAD 0.007%). This variant has not been reported in the literature in individuals affected with PHIP-related conditions. Advanced modeling of protein sequence and biophysical properties (such as structural, functional, and spatial information, amino acid conservation, physicochemical variation, residue mobility, and thermodynamic stability) performed at Invitae indicates that this missense variant is expected to disrupt PHIP protein function with a positive predictive value of 80%. In summary, the available evidence is currently insufficient to determine the role of this variant in disease. Therefore, it has been classified as a Variant of Uncertain Significance.